The following is an entry in ClinVar:

ClinVar aggregate classification (germline): Pathogenic (1 of 4 stars; one submission).

Conditions:
Leukocyte adhesion deficiency 1 (LAD1). Also called: LEUKOCYTE ADHESION DEFICIENCY, TYPE I; LAD 1; Lymphocyte function-associated antigen 1 immunodeficiency; LFA 1 immunodeficiency. Identifiers: Orphanet 2968, Orphanet 99842, MedGen C0398738, MONDO:0007293, OMIM 116920.

Submission:

Labcorp Genetics (formerly Invitae), Labcorp
Classification: Pathogenic for Leukocyte adhesion deficiency 1. Last evaluated: 2023-12-15. Review status: criteria provided, single submitter. Criteria: Invitae Variant Classification Sherloc (09022015). Collection method: clinical testing. Allele origin: germline.
Comment: This sequence change creates a premature translational stop signal (p.Ile319Serfs*4) in the ITGB2 gene. It is expected to result in an absent or disrupted protein product. Loss-of-function variants in ITGB2 are known to be pathogenic (PMID: 22134107, 25703682). This variant is not present in population databases (gnomAD no frequency). This premature translational stop signal has been observed in individual(s) with leukocyte adhesion deficiency (PMID: 30041527). For these reasons, this variant has been classified as Pathogenic.

Literature cited by the submitters: PubMed 22134107; PubMed 25703682; PubMed 30041527.

NM_000211.5(ITGB2):c.954del (p.Ile319fs)

Gene: ITGB2 (integrin subunit beta 2; minus strand). Cytogenetic location: 21q22.3.
Variant type: Deletion.
Coding change: c.954del on transcript NM_000211.5 (MANE Select); coding-DNA position 954, one base deleted (C; older notation c.954delC).
Protein change: p.Ile319fs; shifts the reading frame from isoleucine 319.
Molecular consequence: frameshift variant.
Genome position (GRCh38, 1-based): chr21:44,899,106, G deleted on the plus strand (C on the coding strand, the reverse complement: ITGB2 is on the minus strand); the first of 3 consecutive G bases (chr21:44,899,106-44,899,108); deleting any one gives the same sequence. VCF-style (leftmost placement, unchanged base first): chr21-44899105-TG-T. GRCh37 (hg19) VCF-style: chr21-46319020-TG-T.
Other names: c.954del, p.Ile319fs (NM_001127491.3); c.747del, p.Ile250fs (NM_001303238.2); short protein forms I319fs, I250fs.
Identifiers: ClinVar variation 2910470 (VCV002910470.3), dbSNP rs2517115331, ClinGen allele CA2695230299.